The following is an entry in ClinVar:

ClinVar aggregate classification (germline): Likely pathogenic. Review status: reviewed by expert panel (3 of 4 stars). 6 submissions from 6 submitters: Likely pathogenic (1). 5 of the submissions do not count toward it. Last evaluated 2022-03-05.

Conditions:
Phenylketonuria (PKU). Also called: Phenylketonuria (PKU); FOLLING DISEASE; OLIGOPHRENIA PHENYLPYRUVICA; Phenylketonurias. Identifiers: Orphanet 716, MedGen C0031485, MONDO:0009861, OMIM 261600. Disease mechanism: loss of function.

Allele frequency attached by ClinVar (database versions not stated): gnomAD exomes 0.00001.
gnomAD v4.1: 14 of 1,610,936 alleles (0.00087%); highest among the groups gnomAD compares: East Asian, 0.0045%; no homozygotes.

Submissions (6):

ClinGen PAH Variant Curation Expert Panel
Classification: Likely pathogenic for Phenylketonuria. Last evaluated: 2022-03-05. Review status: reviewed by expert panel. Criteria: ClinGen PAH ACMG Specifications v1. Collection method: curation. Allele origin: germline. Inheritance: Autosomal recessive inheritance.
Comment: The c.155T>C (p.Leu52Ser) variant in PAH is reported in 2 patients with PAH deficiency, detected with pathogenic variants: Exon 5_6 deletion and p.R243Q (BH4 deficiency excluded, PMID: 15319459, 30050108). PAH activity in COS cells was 27% (PMID: 9860305). This variant is absent in population databases. Multiple lines of computational evidence support a deleterious effect. In summary, this variant meets the criteria to be classified as Likely pathogenic for PAH deficiency based on the ACMG/AMP criteria applied, as specified by the ClinGen PAH VCEP: PP4_moderate, PM2, PM3, PS3_supporting, PP3.

GeneDx
Classification: Pathogenic. Last evaluated: 2025-04-01. Review status: criteria provided, single submitter. Criteria: GeneDx Variant Classification Process June 2021. Collection method: clinical testing. Allele origin: germline. Affected: yes. Not counted in ClinVar's aggregate classification.
Comment: Published functional studies found this variant is associated with significantly reduced enzyme activity (PMID: 9860305); Not observed at significant frequency in large population cohorts (gnomAD); In silico analysis supports that this missense variant has a deleterious effect on protein structure/function; This variant is associated with the following publications: (PMID: 25525159, 9860305, 26503515, 21307867)

Natera, Inc.
Classification: Likely pathogenic for Phenylketonuria. Last evaluated: 2025-03-02. Review status: criteria provided, single submitter. Criteria: Natera Variant Classification Schema (03/2026). Collection method: clinical testing. Allele origin: germline. Not counted in ClinVar's aggregate classification.
Comment: The c.155T>C variant in PAH is a missense variant predicted to cause substitution of leucine to serine at amino acid 52. This variant is rare in the general population with a frequency below the threshold expected for the associated phenotype(s). This variant has been observed in one or more individuals affected with the associated recessive disease, as either homozygous or compound heterozygous with a second variant (PMID: 30050108, 33803550). Functional studies show that this variant may disrupt protein function (PMID: 9860305). Computational prediction algorithms indicate this variant is likely to affect gene or protein function. Given the available evidence, this variant is classified as Likely Pathogenic.

Baylor Genetics
Classification: Likely pathogenic for Phenylketonuria. Last evaluated: 2023-07-28. Review status: criteria provided, single submitter. Criteria: ACMG Guidelines, 2015. Collection method: clinical testing. Allele origin: unknown. Not counted in ClinVar's aggregate classification.

Labcorp Genetics (formerly Invitae), Labcorp
Classification: Pathogenic for Phenylketonuria. Last evaluated: 2020-08-05. Review status: criteria provided, single submitter. Criteria: Invitae Variant Classification Sherloc (09022015). Collection method: clinical testing. Allele origin: germline. Not counted in ClinVar's aggregate classification.
Comment: This variant has been observed in individual(s) with phenylalanine hydroxylase deficiency (PMID: 21307867, 26503515). ClinVar contains an entry for this variant (Variation ID: 102599). This variant is not present in population databases (ExAC no frequency). This sequence change replaces leucine with serine at codon 52 of the PAH protein (p.Leu52Ser). The leucine residue is highly conserved and there is a large physicochemical difference between leucine and serine. Advanced modeling of protein sequence and biophysical properties (such as structural, functional, and spatial information, amino acid conservation, physicochemical variation, residue mobility, and thermodynamic stability) performed at Invitae indicates that this missense variant is expected to disrupt PAH protein function. Experimental studies have shown that this variant affects PAH protein function or expression (PMID: 9860305). For these reasons, this variant has been classified as Pathogenic. This variant disrupts the p.Leu52 amino acid residue in PAH. Other variant(s) that disrupt this residue have been observed in individuals with PAH-related conditions (PMID: 31102715), which suggests that this may be a clinically significant amino acid residue.

DeBelle Laboratory for Biochemical Genetics, MUHC/MCH RESEARCH INSTITUTE
No classification provided. Review status: no classification provided. Collection method: not provided. Allele origin: not provided. Not counted in ClinVar's aggregate classification.

Literature cited by the submitters: PubMed 30050108 (cited by Natera, Inc.); PubMed 33803550 (cited by Natera, Inc.); PubMed 9860305 (cited by Natera, Inc. and Labcorp Genetics (formerly Invitae), Labcorp); PubMed 21307867 (cited by Labcorp Genetics (formerly Invitae), Labcorp); PubMed 26503515 (cited by Labcorp Genetics (formerly Invitae), Labcorp); PubMed 31102715 (cited by Labcorp Genetics (formerly Invitae), Labcorp).

NM_000277.3(PAH):c.155T>C (p.Leu52Ser)

Gene: PAH (phenylalanine hydroxylase; minus strand). Cytogenetic location: 12q23.2.
Variant type: single nucleotide variant.
Coding change: c.155T>C on transcript NM_000277.3 (MANE Select); coding-DNA position 155, T replaced by C.
Protein change: p.Leu52Ser; replaces leucine 52 with serine.
Molecular consequence: missense variant.
Genome position (GRCh38, 1-based): chr12:102,912,804, A>G on the plus strand (T>C on the coding strand, the complement: PAH is on the minus strand). VCF-style: chr12-102912804-A-G. GRCh37 (hg19) VCF-style: chr12-103306582-A-G.
Other names: NM_000277.1(PAH):c.155T>C; p.Leu52Ser; c.155T>C, p.Leu52Ser (NM_001354304.2); c.155T>C (NM_000277.2); short protein forms L52S.
Identifiers: ClinVar variation 102599 (VCV000102599.12), dbSNP rs199475630, ClinGen allele CA229443.